The following is an entry in ClinVar:

ClinVar aggregate classification (germline): Pathogenic (1 of 4 stars; one submission).

Conditions:
Fanconi anemia (FA). Also called: Fanconi's anemia. Identifiers: Orphanet 84, MedGen C0015625, MeSH D005199, MONDO:0019391.

Submission:

Labcorp Genetics (formerly Invitae), Labcorp
Classification: Pathogenic for Fanconi anemia. Last evaluated: 2020-09-01. Review status: criteria provided, single submitter. Criteria: Invitae Variant Classification Sherloc (09022015). Collection method: clinical testing. Allele origin: germline.
Comment: For these reasons, this variant has been classified as Pathogenic. Loss-of-function variants in FANCA are known to be pathogenic (PMID: 19367192). This variant has not been reported in the literature in individuals with FANCA-related conditions. This variant is not present in population databases (ExAC no frequency). This sequence change creates a premature translational stop signal (p.Arg1071Thrfs*44) in the FANCA gene. It is expected to result in an absent or disrupted protein product.

Literature cited by the submitters: PubMed 19367192.

NM_000135.4(FANCA):c.3212_3213del (p.Arg1071fs)

Gene: FANCA (FA complementation group A; minus strand). Cytogenetic location: 16q24.3.
Variant type: Microsatellite.
Coding change: c.3212_3213del on transcript NM_000135.4 (MANE Select); coding-DNA positions 3212 to 3213, 2 bases deleted (GA; older notation c.3212_3213delGA).
Protein change: p.Arg1071fs; shifts the reading frame from arginine 1071.
Molecular consequence: frameshift variant.
Genome position (GRCh38, 1-based): chr16:89,749,756-89,749,757, TC deleted on the plus strand (GA on the coding strand, the reverse complement: FANCA is on the minus strand); deleting any 2 consecutive bases within chr16:89,749,756-89,749,760 gives the same sequence; the c. name uses the placement nearest the transcript's 3' end. VCF-style (leftmost placement, unchanged base first): chr16-89749755-GTC-G. GRCh37 (hg19) VCF-style: chr16-89816163-GTC-G.
Other names: c.3212_3213del, p.Arg1071fs (NM_001286167.3); short protein forms R1071fs.
Identifiers: ClinVar variation 1073944 (VCV001073944.7), dbSNP rs2143138138, ClinGen allele CA2580613935.